The following is an entry in ClinVar:

ClinVar aggregate classification (germline): Pathogenic (1 of 4 stars; one submission).

Submission:

Labcorp Genetics (formerly Invitae), Labcorp
Classification: Pathogenic. Last evaluated: 2021-11-25. Review status: criteria provided, single submitter. Criteria: Invitae Variant Classification Sherloc (09022015). Collection method: clinical testing. Allele origin: germline.
Comment: For these reasons, this variant has been classified as Pathogenic. This variant has not been reported in the literature in individuals affected with CCDC88A-related conditions. This variant is not present in population databases (gnomAD no frequency). This sequence change creates a premature translational stop signal (p.Glu638Lysfs*11) in the CCDC88A gene. It is expected to result in an absent or disrupted protein product. Loss-of-function variants in CCDC88A are known to be pathogenic (PMID: 26917597, 30392057).

Literature cited by the submitters: PubMed 26917597; PubMed 30392057.

NM_001365480.1(CCDC88A):c.1911del (p.Glu638fs)

Gene: CCDC88A (coiled-coil and HOOK domain protein 88A; minus strand). Cytogenetic location: 2p16.1.
Variant type: Deletion.
Coding change: c.1911del on transcript NM_001365480.1 (MANE Select); coding-DNA position 1911, one base deleted (T; older notation c.1911delT).
Protein change: p.Glu638fs; shifts the reading frame from glutamic acid 638.
Molecular consequence: frameshift variant.
Genome position (GRCh38, 1-based): chr2:55,334,910, A deleted on the plus strand (T on the coding strand, the reverse complement: CCDC88A is on the minus strand); the first of 2 consecutive A bases (chr2:55,334,910-55,334,911); deleting either gives the same sequence. VCF-style (leftmost placement, unchanged base first): chr2-55334909-CA-C. GRCh37 (hg19) VCF-style: chr2-55562045-CA-C.
Other names: c.1911del, p.Glu638fs (NM_001135597.2, NM_001254943.2, NM_018084.5); short protein forms E638fs.
Identifiers: ClinVar variation 1458823 (VCV001458823.6), dbSNP rs2104690304, ClinGen allele CA2573135033.